The following is an entry in ClinVar:

NM_024642.5(GALNT12):c.1550T>C (p.Ile517Thr)

Gene: GALNT12 (polypeptide N-acetylgalactosaminyltransferase 12; plus strand). Cytogenetic location: 9q22.33.
Variant type: single nucleotide variant.
Coding change: c.1550T>C on transcript NM_024642.5 (MANE Select); coding-DNA position 1550, T replaced by C.
Protein change: p.Ile517Thr; replaces isoleucine 517 with threonine.
Molecular consequence: missense variant.
Genome position (GRCh38, 1-based): chr9:98,846,068, T>C. VCF-style: chr9-98846068-T-C. GRCh37 (hg19) VCF-style: chr9-101608350-T-C.
Other names: short protein forms I517T.
Identifiers: ClinVar variation 2624763 (VCV002624763.5), dbSNP rs1836407117, ClinGen allele CA374221787.

ClinVar aggregate classification (germline): Conflicting classifications of pathogenicity. Review status: criteria provided, conflicting classifications (1 of 4 stars). 2 submissions from 2 submitters: Uncertain significance (1); Likely benign (1). Last evaluated 2023-07-15.

Allele frequency attached by ClinVar (database versions not stated): TOPMed below 0.00001.

Submissions (2):

Ambry Genetics
Classification: Likely benign. Last evaluated: 2023-07-15. Review status: criteria provided, single submitter. Criteria: Ambry Variant Classification Scheme 2023. Collection method: clinical testing. Allele origin: germline.

Labcorp Genetics (formerly Invitae), Labcorp
Classification: Uncertain significance. Last evaluated: 2023-02-28. Review status: criteria provided, single submitter. Criteria: Invitae Variant Classification Sherloc (09022015). Collection method: clinical testing. Allele origin: germline.
Comment: This variant is not present in population databases (gnomAD no frequency). This sequence change replaces isoleucine, which is neutral and non-polar, with threonine, which is neutral and polar, at codon 517 of the GALNT12 protein (p.Ile517Thr). This variant has not been reported in the literature in individuals affected with GALNT12-related conditions. Advanced modeling of protein sequence and biophysical properties (such as structural, functional, and spatial information, amino acid conservation, physicochemical variation, residue mobility, and thermodynamic stability) performed at Invitae indicates that this missense variant is not expected to disrupt GALNT12 protein function. In summary, the available evidence is currently insufficient to determine the role of this variant in disease. Therefore, it has been classified as a Variant of Uncertain Significance.